The following is an entry in ClinVar:

NM_001005373.4(LRSAM1):c.2137A>G (p.Ile713Val)

Gene: LRSAM1 (leucine rich repeat and sterile alpha motif containing 1; plus strand). Cytogenetic location: 9q34.11.
Variant type: single nucleotide variant.
Coding change: c.2137A>G on transcript NM_001005373.4 (MANE Select); coding-DNA position 2137, A replaced by G.
Protein change: p.Ile713Val; replaces isoleucine 713 with valine.
Molecular consequence: missense variant. On other transcripts: non-coding transcript variant (2).
Genome position (GRCh38, 1-based): chr9:127,502,864, A>G. VCF-style: chr9-127502864-A-G. GRCh37 (hg19) VCF-style: chr9-130265143-A-G.
Other names: c.2137A>G, p.Ile713Val (NM_001005374.4, NM_001384142.1, NM_138361.5); c.2056A>G, p.Ile686Val (NM_001190723.3); c.2038A>G, p.Ile680Val (NM_001384143.1); c.1348A>G, p.Ile450Val (NM_001384144.1); short protein forms I450V, I713V, I680V, I686V.
Identifiers: ClinVar variation 1786490 (VCV001786490.2), dbSNP rs2539471026, ClinGen allele CA374939692.
Genomic context (GRCh38, chr9:127,502,864, plus strand): 5'-GTCTGCTGCTGCCAGCAGTGCTGCCAGCCACTGCGCACCTGCCCGCTGTGCCGCCAGGAC[A>G]TCGCCCAGCGCCTCCGCATCTACCACAGCAGCTGAGTGCTGCCCGCCCACCTGGGCCTGG-3'
Protein context (NP_001005373.1, residues 703-723): LRTCPLCRQD[Ile713Val]AQRLRIYHSS

ClinVar aggregate classification (germline): Uncertain significance (1 of 4 stars; one submission).

Conditions:
Inborn genetic diseases. Identifiers: MedGen C0950123, MeSH D030342.

Submission:

Ambry Genetics
Classification: Uncertain significance for Inborn genetic diseases. Last evaluated: 2020-11-17. Review status: criteria provided, single submitter. Criteria: Ambry Variant Classification Scheme 2023. Collection method: clinical testing. Allele origin: germline.
Comment: The p.I713V variant (also known as c.2137A>G), located in coding exon 24 of the LRSAM1 gene, results from an A to G substitution at nucleotide position 2137. The isoleucine at codon 713 is replaced by valine, an amino acid with highly similar properties. This amino acid position is highly conserved in available vertebrate species. In addition, this alteration is predicted to be tolerated by in silico analysis. Since supporting evidence is limited at this time, the clinical significance of this alteration remains unclear.